The following is an entry in ClinVar:

NM_000836.4(GRIN2D):c.1127T>G (p.Phe376Cys)

Gene: GRIN2D (glutamate ionotropic receptor NMDA type subunit 2D; plus strand). Cytogenetic location: 19q13.33.
Variant type: single nucleotide variant.
Coding change: c.1127T>G on transcript NM_000836.4 (MANE Select); coding-DNA position 1127, T replaced by G.
Protein change: p.Phe376Cys; replaces phenylalanine 376 with cysteine.
Molecular consequence: missense variant.
Genome position (GRCh38, 1-based): chr19:48,414,032, T>G. VCF-style: chr19-48414032-T-G. GRCh37 (hg19) VCF-style: chr19-48917289-T-G.
Other names: short protein forms F376C.
Identifiers: ClinVar variation 2704720 (VCV002704720.3), dbSNP rs2513670570, ClinGen allele CA406694888.
Genomic context (GRCh38, chr19:48,414,032, plus strand): 5'-TTTCCCTCCTCCTGGGCAGGTACTTCATGAACATCACGTGGGATAACCGGGATTACTCCT[T>G]CAATGAGGACGGCTTCCTAGTGAACCCCTCCCTGGTGGTCATCTCCCTCACCAGAGACAG-3'
Protein context (NP_000827.2, residues 366-386): NITWDNRDYS[Phe376Cys]NEDGFLVNPS

ClinVar aggregate classification (germline): Uncertain significance (1 of 4 stars; one submission).

Submission:

Labcorp Genetics (formerly Invitae), Labcorp
Classification: Uncertain significance. Last evaluated: 2023-12-21. Review status: criteria provided, single submitter. Criteria: Invitae Variant Classification Sherloc (09022015). Collection method: clinical testing. Allele origin: germline.
Comment: This sequence change replaces phenylalanine, which is neutral and non-polar, with cysteine, which is neutral and slightly polar, at codon 376 of the GRIN2D protein (p.Phe376Cys). This variant is not present in population databases (gnomAD no frequency). This variant has not been reported in the literature in individuals affected with GRIN2D-related conditions. Advanced modeling of protein sequence and biophysical properties (such as structural, functional, and spatial information, amino acid conservation, physicochemical variation, residue mobility, and thermodynamic stability) performed at Invitae indicates that this missense variant is expected to disrupt GRIN2D protein function with a positive predictive value of 80%. In summary, the available evidence is currently insufficient to determine the role of this variant in disease. Therefore, it has been classified as a Variant of Uncertain Significance.